The following is an entry in ClinVar:

NM_001927.4(DES):c.17C>G (p.Ser6Trp)

Gene: DES (desmin; plus strand). Cytogenetic location: 2q35.
Variant type: single nucleotide variant.
Coding change: c.17C>G on transcript NM_001927.4 (MANE Select); coding-DNA position 17, C replaced by G.
Protein change: p.Ser6Trp; replaces serine 6 with tryptophan.
Molecular consequence: missense variant.
Genome position (GRCh38, 1-based): chr2:219,418,479, C>G. VCF-style: chr2-219418479-C-G. GRCh37 (hg19) VCF-style: chr2-220283201-C-G.
Other names: c.17C>G, p.Ser6Trp (NM_001382708.1, NM_001382709.1, NM_001382710.1 and 3 more transcripts); short protein forms S6W.
Identifiers: ClinVar variation 1436615 (VCV001436615.9), dbSNP rs1214936508, ClinGen allele CA350682089.

ClinVar aggregate classification (germline): Conflicting classifications of pathogenicity. Review status: criteria provided, conflicting classifications (1 of 4 stars). 3 submissions from 3 submitters: Likely pathogenic (1); Uncertain significance (2). Last evaluated 2024-01-23.

Conditions:
Desmin-related myofibrillar myopathy (MFM1). Also called: MYOFIBRILLAR MYOPATHY WITH ARRHYTHMOGENIC RIGHT VENTRICULAR CARDIOMYOPATHY; DESMIN-RELATED MYOPATHY WITH ARRHYTHMOGENIC RIGHT VENTRICULAR CARDIOMYOPATHY; Desmin related myopathy (former name); Desmin storage myopathy (former name); Myofibrillar myopathy 1; Desminopathy. Identifiers: Orphanet 363543, Orphanet 98909, MedGen C1832370, MONDO:0011076, OMIM 601419.
Cardiovascular phenotype. Identifiers: MedGen CN230736.
DES-related disorders.

gnomAD v4.1: 1 of 1,598,490 alleles (0.000063%); highest among the groups gnomAD compares: Non-Finnish European, 0.000085%; no homozygotes.

Submissions (3):

Blueprint Genetics
Classification: Likely pathogenic for DES-related disorders. Last evaluated: 2024-01-23. Review status: criteria provided, single submitter. Criteria: ACMG Guidelines, 2015. Collection method: clinical testing. Allele origin: germline. Affected: yes. Observed: 5 variant alleles.

Ambry Genetics
Classification: Uncertain significance for Cardiovascular phenotype. Last evaluated: 2021-10-12. Review status: criteria provided, single submitter. Criteria: Ambry Variant Classification Scheme 2023. Collection method: clinical testing. Allele origin: germline.
Comment: The p.S6W variant (also known as c.17C>G), located in coding exon 1 of the DES gene, results from a C to G substitution at nucleotide position 17. The serine at codon 6 is replaced by tryptophan, an amino acid with highly dissimilar properties. This variant has also been described in an individual with progressive facial weakness and mild left ventricular hypertrophy (Carroll LS et al. Neuromuscul Disord, 2021 03;31:249-252). This amino acid position is well conserved in available vertebrate species. In addition, the in silico prediction for this alteration is inconclusive. Since supporting evidence is limited at this time, the clinical significance of this alteration remains unclear.

Labcorp Genetics (formerly Invitae), Labcorp
Classification: Uncertain significance for Desmin-related myofibrillar myopathy. Last evaluated: 2021-08-05. Review status: criteria provided, single submitter. Criteria: Invitae Variant Classification Sherloc (09022015). Collection method: clinical testing. Allele origin: germline.
Comment: In summary, the available evidence is currently insufficient to determine the role of this variant in disease. Therefore, it has been classified as a Variant of Uncertain Significance. This sequence change replaces serine with tryptophan at codon 6 of the DES protein (p.Ser6Trp). The serine residue is highly conserved and there is a large physicochemical difference between serine and tryptophan. This variant is not present in population databases (ExAC no frequency). This missense change has been observed in individual(s) with autosomal dominant DES-related conditions (PMID: 25557463). Algorithms developed to predict the effect of missense changes on protein structure and function are either unavailable or do not agree on the potential impact of this missense change (SIFT: "Deleterious"; PolyPhen-2: "Not Available"; Align-GVGD: "Class C15").

Literature cited by the submitters: PubMed 25557463 (cited by Ambry Genetics and Labcorp Genetics (formerly Invitae), Labcorp); PubMed 33546848 (cited by Ambry Genetics).